The following is an entry in ClinVar:

ClinVar aggregate classification (germline): Uncertain significance (1 of 4 stars; one submission).

Submission:

CeGaT Center for Human Genetics Tuebingen
Classification: Uncertain significance. Last evaluated: 2022-07-01. Review status: criteria provided, single submitter. Criteria: CeGaT Center For Human Genetics Tuebingen Variant Classification Criteria Version 2. Collection method: clinical testing. Allele origin: germline. Affected: yes. Observed: 1 variant allele.
Comment: TNRC6B: PM2

NM_001162501.2(TNRC6B):c.4485A>T (p.Glu1495Asp)

Gene: TNRC6B (trinucleotide repeat containing adaptor 6B; plus strand). Cytogenetic location: 22q13.1.
Variant type: single nucleotide variant.
Coding change: c.4485A>T on transcript NM_001162501.2 (MANE Select); coding-DNA position 4485, A replaced by T.
Protein change: p.Glu1495Asp; replaces glutamic acid 1495 with aspartic acid.
Molecular consequence: missense variant.
Genome position (GRCh38, 1-based): chr22:40,312,554, A>T. VCF-style: chr22-40312554-A-T. GRCh37 (hg19) VCF-style: chr22-40708558-A-T.
Other names: c.2073A>T, p.Glu691Asp (NM_001024843.2); c.4155A>T, p.Glu1385Asp (NM_015088.3); short protein forms E1385D, E1495D, E691D.
Identifiers: ClinVar variation 2653187 (VCV002653187.24), dbSNP rs2518042816, ClinGen allele CA411667222.